The following is an entry in ClinVar:

ClinVar aggregate classification (germline): Likely benign. Review status: criteria provided, multiple submitters, no conflicts (2 of 4 stars). 2 submissions from 2 submitters: Likely benign (2). Last evaluated 2023-08-23.

Conditions:
Malignant hyperthermia, susceptibility to, 5 (MHS5). Also called: CACNA1S-Related Malignant Hyperthermia Susceptibility. Identifiers: Orphanet 423, MedGen C1866077, MONDO:0011163, OMIM 601887.
Hypokalemic periodic paralysis, type 1. Also called: Hypokalemic Periodic Paralysis Type 1 (AD); HypoPP. Identifiers: Orphanet 681, MedGen C3714580, MONDO:0042979, OMIM 170400.

Submissions (2):

All of Us Research Program, National Institutes of Health
Classification: Likely benign for Malignant hyperthermia, susceptibility to, 5. Last evaluated: 2023-08-23. Review status: criteria provided, single submitter. Criteria: ACMG Guidelines, 2015. Collection method: clinical testing. Allele origin: germline. Inheritance: Autosomal dominant inheritance. Observed: 2 variant alleles, 2 heterozygotes.
Comment: This study involves interpretation of variants in research participants for the purpose of population health screening. Participant phenotype was not available at the time of variant classification. Additional details can be found in publication PMID: 35346344, PMCID: PMC8962531

Labcorp Genetics (formerly Invitae), Labcorp
Classification: Likely benign for Hypokalemic periodic paralysis, type 1; Malignant hyperthermia, susceptibility to, 5. Last evaluated: 2022-01-02. Review status: criteria provided, single submitter. Criteria: Invitae Variant Classification Sherloc (09022015). Collection method: clinical testing. Allele origin: germline.

NM_000069.3(CACNA1S):c.2262G>A (p.Leu754=)

Gene: CACNA1S (calcium voltage-gated channel subunit alpha1 S; minus strand). Cytogenetic location: 1q32.1.
Variant type: single nucleotide variant.
Coding change: c.2262G>A on transcript NM_000069.3 (MANE Select); coding-DNA position 2262, G replaced by A.
Protein change: p.Leu754=; no amino-acid change (leucine 754 retained).
Molecular consequence: synonymous variant.
Genome position (GRCh38, 1-based): chr1:201,070,370, C>T on the plus strand (G>A on the coding strand, the complement: CACNA1S is on the minus strand). VCF-style: chr1-201070370-C-T. GRCh37 (hg19) VCF-style: chr1-201039498-C-T.
Identifiers: ClinVar variation 747617 (VCV000747617.10), dbSNP rs1572043391, ClinGen allele CA422688087.